The following is an entry in ClinVar:

ClinVar aggregate classification (germline): Uncertain significance (1 of 4 stars; one submission).

Conditions:
Cardiovascular phenotype. Identifiers: MedGen CN230736.

gnomAD v4.1: 1 of 1,614,022 alleles (0.000062%); highest among the groups gnomAD compares: Non-Finnish European, 0.000085%; no homozygotes.

Submission:

Ambry Genetics
Classification: Uncertain significance for Cardiovascular phenotype. Last evaluated: 2025-01-10. Review status: criteria provided, single submitter. Criteria: Ambry Variant Classification Scheme 2023. Collection method: clinical testing. Allele origin: germline.
Comment: The p.Q2375R variant (also known as c.7124A>G), located in coding exon 26 of the APOB gene, results from an A to G substitution at nucleotide position 7124. The glutamine at codon 2375 is replaced by arginine, an amino acid with highly similar properties. This amino acid position is conserved. In addition, this alteration is predicted to be tolerated by in silico analysis. Based on the available evidence, the clinical significance of this variant remains unclear.

NM_000384.3(APOB):c.7124A>G (p.Gln2375Arg)

Gene: APOB (apolipoprotein B; minus strand). Cytogenetic location: 2p24.1.
Variant type: single nucleotide variant.
Coding change: c.7124A>G on transcript NM_000384.3 (MANE Select); coding-DNA position 7124, A replaced by G.
Protein change: p.Gln2375Arg; replaces glutamine 2375 with arginine.
Molecular consequence: missense variant.
Genome position (GRCh38, 1-based): chr2:21,009,744, T>C on the plus strand (A>G on the coding strand, the complement: APOB is on the minus strand). VCF-style: chr2-21009744-T-C. GRCh37 (hg19) VCF-style: chr2-21232616-T-C.
Other names: short protein forms Q2375R.
Identifiers: ClinVar variation 3884582 (VCV003884582.1).
Genomic context (GRCh38, chr2:21,009,744, plus strand): 5'-CCAACCAATTTCTCAAAGTAATCTTTTATCTTAACTTGTTGTAGGACATTGCTTAGCTTC[T>C]GAATAGTCTCCTTCAACTTGTATTGGTGGGCCAACTCTACTAATTTATCCATTAAAACCT-3'
Protein context (NP_000375.3, residues 2365-2385): AHQYKLKETI[Gln2375Arg]KLSNVLQQVK